The following is an entry in ClinVar:

ClinVar aggregate classification (germline): Pathogenic (1 of 4 stars; one submission).

Submission:

GeneDx
Classification: Pathogenic. Last evaluated: 2025-11-20. Review status: criteria provided, single submitter. Criteria: GeneDx Variant Classification Process June 2021. Collection method: clinical testing. Allele origin: germline. Affected: yes.
Comment: Nonsense variant predicted to result in protein truncation, as the last 286 amino acid(s) are lost, and other loss-of-function variants have been reported downstream in HGMD; Not observed in large population cohorts (gnomAD); Has not been previously published as pathogenic or benign to our knowledge

NM_004974.4(KCNA2):c.640C>T (p.Gln214Ter)

Gene: KCNA2 (potassium voltage-gated channel subfamily A member 2; minus strand). Cytogenetic location: 1p13.3.
Variant type: single nucleotide variant.
Coding change: c.640C>T on transcript NM_004974.4 (MANE Select); coding-DNA position 640, C replaced by T.
Protein change: p.Gln214Ter; replaces glutamine 214 with a stop codon.
Molecular consequence: nonsense.
Genome position (GRCh38, 1-based): chr1:110,604,143, G>A on the plus strand (C>T on the coding strand, the complement: KCNA2 is on the minus strand). VCF-style: chr1-110604143-G-A. GRCh37 (hg19) VCF-style: chr1-111146765-G-A.
Other names: c.640C>T, p.Gln214Ter (NM_001204269.2); short protein forms Q214*.
Identifiers: ClinVar variation 1196932 (VCV001196932.3), dbSNP rs762580714, ClinGen allele CA341603542.